The following is an entry in ClinVar:

ClinVar aggregate classification (germline): Uncertain significance (1 of 4 stars; one submission).

Allele frequency attached by ClinVar (database versions not stated): gnomAD exomes below 0.00001.
gnomAD v4.1: 1 of 1,614,090 alleles (0.000062%); highest among the groups gnomAD compares: Non-Finnish European, 0.000085%; no homozygotes.

Submission:

Labcorp Genetics (formerly Invitae), Labcorp
Classification: Uncertain significance. Last evaluated: 2024-01-02. Review status: criteria provided, single submitter. Criteria: Invitae Variant Classification Sherloc (09022015). Collection method: clinical testing. Allele origin: germline.
Comment: This sequence change replaces histidine, which is basic and polar, with tyrosine, which is neutral and polar, at codon 339 of the OTULIN protein (p.His339Tyr). This variant is not present in population databases (gnomAD no frequency). This variant has not been reported in the literature in individuals affected with OTULIN-related conditions. Advanced modeling of protein sequence and biophysical properties (such as structural, functional, and spatial information, amino acid conservation, physicochemical variation, residue mobility, and thermodynamic stability) performed at Invitae indicates that this missense variant is not expected to disrupt OTULIN protein function with a negative predictive value of 80%. Algorithms developed to predict the effect of sequence changes on RNA splicing suggest that this variant may create or strengthen a splice site. In summary, the available evidence is currently insufficient to determine the role of this variant in disease. Therefore, it has been classified as a Variant of Uncertain Significance.

NM_138348.6(OTULIN):c.1015C>T (p.His339Tyr)

Gene: OTULIN (OTU deubiquitinase with linear linkage specificity; plus strand). Cytogenetic location: 5p15.2.
Variant type: single nucleotide variant.
Coding change: c.1015C>T on transcript NM_138348.6 (MANE Select); coding-DNA position 1015, C replaced by T.
Protein change: p.His339Tyr; replaces histidine 339 with tyrosine.
Molecular consequence: missense variant.
Genome position (GRCh38, 1-based): chr5:14,693,004, C>T. VCF-style: chr5-14693004-C-T. GRCh37 (hg19) VCF-style: chr5-14693113-C-T.
Other names: short protein forms H339Y.
Identifiers: ClinVar variation 2849958 (VCV002849958.3), dbSNP rs2478234819, ClinGen allele CA359244383.